The following is an entry in ClinVar:

NM_005188.4(CBL):c.160A>G (p.Lys54Glu)

Genes: CBL (Cbl proto-oncogene; plus strand), LOC130006895 (ATAC-STARR-seq lymphoblastoid silent region 3975; plus strand). Cytogenetic location: 11q23.3.
Variant type: single nucleotide variant.
Coding change: c.160A>G on transcript NM_005188.4 (MANE Select); coding-DNA position 160, A replaced by G.
Protein change: p.Lys54Glu; replaces lysine 54 with glutamic acid.
Molecular consequence: missense variant.
Genome position (GRCh38, 1-based): chr11:119,206,577, A>G. VCF-style: chr11-119206577-A-G. GRCh37 (hg19) VCF-style: chr11-119077287-A-G.
Other names: c.160A>G (NM_005188.2); short protein forms K54E.
Identifiers: ClinVar variation 2716343 (VCV002716343.4), dbSNP rs2496819699, ClinGen allele CA382976487.

ClinVar aggregate classification (germline): Uncertain significance. Review status: criteria provided, multiple submitters, no conflicts (2 of 4 stars). 2 submissions from 2 submitters: Uncertain significance (2). Last evaluated 2026-08-24.

Conditions:
RASopathy. Also called: Noonan spectrum disorder; rasopathies. Identifiers: Orphanet 536391, MedGen C5555857, MONDO:0021060.
Cardiovascular phenotype. Identifiers: MedGen CN230736.

Submissions (2):

Ambry Genetics
Classification: Uncertain significance for Cardiovascular phenotype. Last evaluated: 2026-08-24. Review status: criteria provided, single submitter. Criteria: Ambry Variant Classification Scheme 2023. Collection method: clinical testing. Allele origin: germline.
Comment: The p.K54E variant (also known as c.160A>G), located in coding exon 1 of the CBL gene, results from an A to G substitution at nucleotide position 160. The lysine at codon 54 is replaced by glutamic acid, an amino acid with similar properties. This amino acid position is highly conserved in available vertebrate species. In addition, this alteration is predicted to be deleterious by in silico analysis. Based on the available evidence, the clinical significance of this variant remains unclear.

Labcorp Genetics (formerly Invitae), Labcorp
Classification: Uncertain significance for RASopathy. Last evaluated: 2023-02-14. Review status: criteria provided, single submitter. Criteria: Invitae Variant Classification Sherloc (09022015). Collection method: clinical testing. Allele origin: germline.
Comment: In summary, the available evidence is currently insufficient to determine the role of this variant in disease. Therefore, it has been classified as a Variant of Uncertain Significance. Advanced modeling of protein sequence and biophysical properties (such as structural, functional, and spatial information, amino acid conservation, physicochemical variation, residue mobility, and thermodynamic stability) performed at Invitae indicates that this missense variant is expected to disrupt CBL protein function. This variant has not been reported in the literature in individuals affected with CBL-related conditions. This variant is not present in population databases (gnomAD no frequency). This sequence change replaces lysine, which is basic and polar, with glutamic acid, which is acidic and polar, at codon 54 of the CBL protein (p.Lys54Glu).